The following is an entry in ClinVar:

NM_130468.4(CHST14):c.-17C>T

Genes: CHST14 (carbohydrate sulfotransferase 14; plus strand), LOC130056851 (ATAC-STARR-seq lymphoblastoid silent region 6336; plus strand). Cytogenetic location: 15q15.1.
Variant type: single nucleotide variant.
Coding change: c.-17C>T on transcript NM_130468.4 (MANE Select); 17 bases upstream of the start codon, C replaced by T.
Molecular consequence: 5 prime UTR variant.
Genome position (GRCh38, 1-based): chr15:40,471,197, C>T. VCF-style: chr15-40471197-C-T. GRCh37 (hg19) VCF-style: chr15-40763396-C-T.
Identifiers: ClinVar variation 4687480 (VCV004687480.1).

ClinVar aggregate classification (germline): Uncertain significance (1 of 4 stars; one submission).

gnomAD v4.1: 33 of 1,363,538 alleles (0.0024%); highest among the groups gnomAD compares: Non-Finnish European, 0.003%; no homozygotes.

Submission:

Women's Health and Genetics/Laboratory Corporation of America, LabCorp
Classification: Uncertain significance. Last evaluated: 2025-10-07. Review status: criteria provided, single submitter. Criteria: LabCorp Variant Classification Summary - May 2015. Collection method: clinical testing. Allele origin: germline.
Comment: Variant summary: CHST14 c.-17C>T is located in the untranslated mRNA region upstream of the initiation codon. The frequency data for this variant in gnomAD is considered unreliable, as metrics indicate poor data quality at this position. To our knowledge, no occurrence of c.-17C>T in individuals affected with CHST14-related conditions and no experimental evidence demonstrating its impact on protein function have been reported. No submitters have cited clinical-significance assessments for this variant to ClinVar. Based on the evidence outlined above, the variant was classified as uncertain significance.